The following is an entry in ClinVar:

NM_002207.3(ITGA9):c.1233A>G (p.Ser411=)

Gene: ITGA9 (integrin subunit alpha 9; plus strand). Cytogenetic location: 3p22.2.
Variant type: single nucleotide variant.
Coding change: c.1233A>G on transcript NM_002207.3 (MANE Select); coding-DNA position 1233, A replaced by G.
Protein change: p.Ser411=; no amino-acid change (serine 411 retained).
Molecular consequence: synonymous variant.
Genome position (GRCh38, 1-based): chr3:37,519,351, A>G. VCF-style: chr3-37519351-A-G. GRCh37 (hg19) VCF-style: chr3-37560842-A-G.
Identifiers: ClinVar variation 3038101 (VCV003038101.2), dbSNP rs61751646, ClinGen allele CA2310702.

ClinVar aggregate classification (germline): Benign (0 of 4 stars; one submission).

Conditions:
ITGA9-related disorder. Also called: ITGA9-related condition.

Allele frequency attached by ClinVar (database versions not stated): 1000 Genomes Project 30x 0.00453; 1000 Genomes Project 0.00479; gnomAD 0.00507; TOPMed 0.00549; ESP Exome Variant Server 0.00615; gnomAD exomes 0.00744; ExAC 0.00821.
gnomAD v4.1: 11,723 of 1,611,188 alleles (0.73%); highest among the groups gnomAD compares: South Asian, 2%; 73 homozygotes.

Submission:

PreventionGenetics, part of Exact Sciences
Classification: Benign for ITGA9-related condition. Last evaluated: 2019-12-13. Review status: no assertion criteria provided. Collection method: clinical testing. Allele origin: germline.
Comment: This variant is classified as benign based on ACMG/AMP sequence variant interpretation guidelines (Richards et al. 2015 PMID: 25741868, with internal and published modifications).